The following is an entry in ClinVar:

NM_001127208.3(TET2):c.1423A>G (p.Met475Val)

Genes: TET2 (tet methylcytosine dioxygenase 2; plus strand), TET2-AS1 (TET2 antisense RNA 1; minus strand). Cytogenetic location: 4q24.
Variant type: single nucleotide variant.
Coding change: c.1423A>G on transcript NM_001127208.3 (MANE Select); coding-DNA position 1423, A replaced by G.
Protein change: p.Met475Val; replaces methionine 475 with valine.
Molecular consequence: missense variant.
Genome position (GRCh38, 1-based): chr4:105,235,365, A>G. VCF-style: chr4-105235365-A-G. GRCh37 (hg19) VCF-style: chr4-106156522-A-G.
Other names: c.1423A>G, p.Met475Val (NM_017628.4); short protein forms M475V.
Identifiers: ClinVar variation 4594149 (VCV004594149.1).

ClinVar aggregate classification (germline): Uncertain significance (1 of 4 stars; one submission).

gnomAD v4.1: 1 of 1,614,170 alleles (0.000062%); highest among the groups gnomAD compares: Admixed American, 0.0017%; no homozygotes.

Submission:

Ambry Genetics
Classification: Uncertain significance. Last evaluated: 2025-10-10. Review status: criteria provided, single submitter. Criteria: Ambry Variant Classification Scheme 2023. Collection method: clinical testing. Allele origin: germline.
Comment: The p.M475V variant (also known as c.1423A>G), located in coding exon 1 of the TET2 gene, results from an A to G substitution at nucleotide position 1423. The methionine at codon 475 is replaced by valine, an amino acid with highly similar properties. This amino acid position is conserved. In addition, this alteration is predicted to be tolerated by in silico analysis. Based on the available evidence, the clinical significance of this variant remains unclear.